The following is an entry in ClinVar:

ClinVar aggregate classification (germline): Uncertain significance. Review status: criteria provided, multiple submitters, no conflicts (2 of 4 stars). 3 submissions from 3 submitters: Uncertain significance (3). Last evaluated 2025-03-27.

Conditions:
Inborn genetic diseases. Identifiers: MedGen C0950123, MeSH D030342.

Allele frequency attached by ClinVar (database versions not stated): gnomAD 0.00016 and 0.00015; 1000 Genomes Project 30x 0.00062; gnomAD exomes 0.00005; 1000 Genomes Project 0.00020; ExAC 0.00008; TOPMed 0.00017.
gnomAD v4.1: 44 of 1,611,322 alleles (0.0027%); highest among the groups gnomAD compares: African/African-American, 0.057%; 1 homozygote.

Submissions (3):

Ambry Genetics
Classification: Uncertain significance for Inborn genetic diseases. Last evaluated: 2025-03-27. Review status: criteria provided, single submitter. Criteria: Ambry Variant Classification Scheme 2023. Collection method: clinical testing. Allele origin: germline.

Labcorp Genetics (formerly Invitae), Labcorp
Classification: Uncertain significance. Last evaluated: 2023-08-04. Review status: criteria provided, single submitter. Criteria: Invitae Variant Classification Sherloc (09022015). Collection method: clinical testing. Allele origin: germline.
Comment: In summary, the available evidence is currently insufficient to determine the role of this variant in disease. Therefore, it has been classified as a Variant of Uncertain Significance. An algorithm developed to predict the effect of missense changes on protein structure and function (PolyPhen-2) suggests that this variant is likely to be disruptive. ClinVar contains an entry for this variant (Variation ID: 1433645). This variant has not been reported in the literature in individuals affected with EDN3-related conditions. This variant is present in population databases (rs202140125, gnomAD 0.07%). This sequence change replaces glycine, which is neutral and non-polar, with alanine, which is neutral and non-polar, at codon 4 of the EDN3 protein (p.Gly4Ala).

GeneDx
Classification: Uncertain significance. Last evaluated: 2023-08-01. Review status: criteria provided, single submitter. Criteria: GeneDx Variant Classification Process June 2021. Collection method: clinical testing. Allele origin: germline. Affected: yes.
Comment: In silico analysis supports that this missense variant does not alter protein structure/function; Has not been previously published as pathogenic or benign to our knowledge

NM_207034.3(EDN3):c.11G>C (p.Gly4Ala)

Gene: EDN3 (endothelin 3; plus strand). Cytogenetic location: 20q13.32.
Variant type: single nucleotide variant.
Coding change: c.11G>C on transcript NM_207034.3 (MANE Select); coding-DNA position 11, G replaced by C.
Protein change: p.Gly4Ala; replaces glycine 4 with alanine.
Molecular consequence: missense variant.
Genome position (GRCh38, 1-based): chr20:59,300,823, G>C. VCF-style: chr20-59300823-G-C. GRCh37 (hg19) VCF-style: chr20-57875878-G-C.
Other names: c.11G>C, p.Gly4Ala (NM_001302455.2, NM_001302456.2, NM_207032.3 and 1 more transcripts); c.11G>C (NM_207034.1); short protein forms G4A.
Identifiers: ClinVar variation 1433645 (VCV001433645.8), dbSNP rs202140125, ClinGen allele CA9930229.